The following is an entry in ClinVar:

ClinVar aggregate classification (germline): Uncertain significance. Review status: criteria provided, multiple submitters, no conflicts (2 of 4 stars). 2 submissions from 2 submitters: Uncertain significance (2). Last evaluated 2025-04-17.

Conditions:
Cardiovascular phenotype. Identifiers: MedGen CN230736.

Allele frequency attached by ClinVar (database versions not stated): gnomAD 0.00013; 1000 Genomes Project 30x 0.00078; TOPMed 0.00010; 1000 Genomes Project 0.00040.
gnomAD v4.1: 330 of 1,613,580 alleles (0.02%); highest among the groups gnomAD compares: East Asian, 0.29%; 2 homozygotes.

Submissions (2):

Ambry Genetics
Classification: Uncertain significance for Cardiovascular phenotype. Last evaluated: 2025-04-17. Review status: criteria provided, single submitter. Criteria: Ambry Variant Classification Scheme 2023. Collection method: clinical testing. Allele origin: germline.
Comment: The p.G2450R variant (also known as c.7348G>A), located in coding exon 20 of the TNXB gene, results from a G to A substitution at nucleotide position 7348. The glycine at codon 2450 is replaced by arginine, an amino acid with dissimilar properties. This amino acid position is highly conserved in available vertebrate species. In addition, this alteration is predicted to be tolerated by in silico analysis. Based on the available evidence, the clinical significance of this variant remains unclear.

GeneDx
Classification: Uncertain significance. Last evaluated: 2024-04-17. Review status: criteria provided, single submitter. Criteria: GeneDx Variant Classification Process June 2021. Collection method: clinical testing. Allele origin: germline. Affected: yes.
Comment: Has not been previously published as pathogenic or benign to our knowledge; In silico analysis supports that this missense variant has a deleterious effect on protein structure/function

NM_001365276.2(TNXB):c.7348G>A (p.Gly2450Arg)

Gene: TNXB (tenascin XB; minus strand). Cytogenetic location: 6p21.33.
Variant type: single nucleotide variant.
Coding change: c.7348G>A on transcript NM_001365276.2 (MANE Select); coding-DNA position 7348, G replaced by A.
Protein change: p.Gly2450Arg; replaces glycine 2450 with arginine.
Molecular consequence: missense variant.
Genome position (GRCh38, 1-based): chr6:32,061,541, C>T on the plus strand (G>A on the coding strand, the complement: TNXB is on the minus strand). VCF-style: chr6-32061541-C-T. GRCh37 (hg19) VCF-style: chr6-32029318-C-T.
Other names: c.7348G>A, p.Gly2450Arg (NM_019105.8); short protein forms G2450R.
Identifiers: ClinVar variation 1758434 (VCV001758434.4), dbSNP rs373494712, ClinGen allele CA3734181.